The following is an entry in ClinVar:

NM_199420.4(POLQ):c.4954C>T (p.Pro1652Ser)

Gene: POLQ (DNA polymerase theta; minus strand). Cytogenetic location: 3q13.33.
Variant type: single nucleotide variant.
Coding change: c.4954C>T on transcript NM_199420.4 (MANE Select); coding-DNA position 4954, C replaced by T.
Protein change: p.Pro1652Ser; replaces proline 1652 with serine.
Molecular consequence: missense variant.
Genome position (GRCh38, 1-based): chr3:121,487,977, G>A on the plus strand (C>T on the coding strand, the complement: POLQ is on the minus strand). VCF-style: chr3-121487977-G-A. GRCh37 (hg19) VCF-style: chr3-121206824-G-A.
Other names: short protein forms P1652S.
Identifiers: ClinVar variation 3230027 (VCV003230027.1), dbSNP rs2048028336, ClinGen allele CA354092988.
Genomic context (GRCh38, chr3:121,487,977, plus strand): 5'-TTTTTCTATTCAAACTGGAAAAGTTTATAGTCATTGATTTTAGCTTTTCATTTTCTAGAG[G>A]ACTGGATACTTTATCTAAAATCCTTTGCAGTCCTGGACTTAGATCAAATGATGCCCCTGA-3'
Protein context (NP_955452.3, residues 1642-1662): LQRILDKVSS[Pro1652Ser]LENEKLKSMT

ClinVar aggregate classification (germline): Uncertain significance (1 of 4 stars; one submission).

Allele frequency attached by ClinVar (database versions not stated): TOPMed below 0.00001.

Submission:

Ambry Genetics
Classification: Uncertain significance. Last evaluated: 2024-01-07. Review status: criteria provided, single submitter. Criteria: Ambry Variant Classification Scheme 2023. Collection method: clinical testing. Allele origin: germline.
Comment: The p.P1652S variant (also known as c.4954C>T), located in coding exon 16 of the POLQ gene, results from a C to T substitution at nucleotide position 4954. The proline at codon 1652 is replaced by serine, an amino acid with similar properties. This amino acid position is conserved. In addition, this alteration is predicted to be tolerated by in silico analysis. Since supporting evidence is limited at this time, the clinical significance of this alteration remains unclear.